The following is an entry in ClinVar:

ClinVar aggregate classification (germline): Benign. Review status: criteria provided, multiple submitters, no conflicts (2 of 4 stars). 5 submissions from 5 submitters: Benign (5). Last evaluated 2026-02-03.

Conditions:
Age related macular degeneration 1 (ARMD1). Also called: MACULOPATHY, AGE-RELATED, 1. Identifiers: MedGen C1864205, MONDO:0011285, OMIM 603075.

Allele frequency attached by ClinVar (database versions not stated): gnomAD exomes 0.51392; ExAC 0.53890; 1000 Genomes Project 30x 0.53576; TOPMed 0.54877; ESP Exome Variant Server 0.52537; 1000 Genomes Project 0.52995; gnomAD 0.53393 and 0.53397.
gnomAD v4.1: 830,365 of 1,608,136 alleles (52%); highest among the groups gnomAD compares: Admixed American, 66%; 216,516 homozygotes.

Submissions (5):

Labcorp Genetics (formerly Invitae), Labcorp
Classification: Benign. Last evaluated: 2026-02-03. Review status: criteria provided, single submitter. Criteria: Invitae Variant Classification Sherloc (09022015). Collection method: clinical testing. Allele origin: germline.

Genome-Nilou Lab
Classification: Benign for Age related macular degeneration 1. Last evaluated: 2023-04-11. Review status: criteria provided, single submitter. Criteria: ACMG Guidelines, 2015. Collection method: clinical testing. Allele origin: germline. Affected: no.

Mendelics
Classification: Benign for Age related macular degeneration 1. Last evaluated: 2019-05-28. Review status: criteria provided, single submitter. Criteria: Mendelics Assertion Criteria 2017. Collection method: clinical testing. Allele origin: unknown.

Illumina Laboratory Services, Illumina
Classification: Benign for Age related macular degeneration 1. Last evaluated: 2018-01-13. Review status: criteria provided, single submitter. Criteria: ICSL Variant Classification Criteria 13 December 2019. Collection method: clinical testing. Allele origin: germline.
Comment: This variant was observed in the ICSL laboratory as part of a predisposition screen in an ostensibly healthy population. It had not been previously curated by ICSL or reported in the Human Gene Mutation Database (HGMD: prior to June 1st, 2018), and was therefore a candidate for classification through an automated scoring system. Utilizing variant allele frequency, disease prevalence and penetrance estimates, and inheritance mode, an automated score was calculated to assess if this variant is too frequent to cause the disease. Based on the score and internal cut-off values, a variant classified as benign is not then subjected to further curation. The score for this variant resulted in a classification of benign for this disease.

Breakthrough Genomics
Classification: Benign. Review status: criteria provided, single submitter. Criteria: ACMG Guidelines, 2015. Collection method: not provided. Allele origin: germline. Inheritance: Autosomal dominant inheritance. Affected: yes.

NM_031935.3(HMCN1):c.7253T>C (p.Ile2418Thr)

Gene: HMCN1 (hemicentin 1; plus strand). Cytogenetic location: 1q31.1.
Variant type: single nucleotide variant.
Coding change: c.7253T>C on transcript NM_031935.3 (MANE Select); coding-DNA position 7253, T replaced by C.
Protein change: p.Ile2418Thr; replaces isoleucine 2418 with threonine.
Molecular consequence: missense variant.
Genome position (GRCh38, 1-based): chr1:186,057,342, T>C. VCF-style: chr1-186057342-T-C. GRCh37 (hg19) VCF-style: chr1-186026474-T-C.
Other names: short protein forms I2418T.
Identifiers: ClinVar variation 294183 (VCV000294183.15), dbSNP rs12129650, ClinGen allele CA1292780.